The following is an entry in ClinVar:

NM_001190274.2(FBXO11):c.2654+3del

Genes: FBXO11 (F-box protein 11; minus strand), MSH6 (mutS homolog 6; plus strand). Cytogenetic location: 2p16.3.
Variant type: Deletion.
Coding change: c.2654+3del on transcript NM_001190274.2 (MANE Select); 3 bases into the intron after coding-DNA position 2654, one base deleted (A; older notation c.2654+3delA).
Molecular consequence: intron variant.
Genome position (GRCh38, 1-based): chr2:47,808,326, T deleted on the plus strand (A on the coding strand, the reverse complement: FBXO11 is on the minus strand). VCF-style (leftmost placement, unchanged base first): chr2-47808325-AT-A. GRCh37 (hg19) VCF-style: chr2-48035464-AT-A.
Other names: c.*43+1423del (NM_001406809.1); c.*40+1426del (NM_001406796.1, NM_001406811.1, NM_001406805.1 and 2 more transcripts); c.2402+3del (NM_001374325.1, NM_025133.4).
Identifiers: ClinVar variation 5018756 (VCV005018756.2).
Genomic context (GRCh38, chr2:47,808,325, plus strand): 5'-CCAAATATTAGAAAAGTGAGGGGGAAAGTAATTGGGTAATATATCAAGCAAGTGTGCTAC[AT>A]ACCTATCATGTCTAATAAACTCTACATCATGTCCCTGATGGCACTTCTTAATGCAGTTCA-3'

ClinVar aggregate classification (germline): Uncertain significance (1 of 4 stars; one submission).

Conditions:
Intellectual developmental disorder with dysmorphic facies and behavioral abnormalities. Identifiers: MedGen C4748135, MONDO:0060760, OMIM 618089.

Submission:

Juno Genomics, Hangzhou Juno Genomics, Inc
Classification: Uncertain significance for Intellectual developmental disorder with dysmorphic facies and behavioral abnormalities. Review status: criteria provided, single submitter. Criteria: ACMG Guidelines, 2015. Collection method: clinical testing. Allele origin: germline.
Comment: Absent from controls (or at extremely low frequency if recessive) in Genome Aggregation Database.;Multiple lines of computational evidence support a deleterious effect on the gene or gene product.